The following is an entry in ClinVar:

ClinVar aggregate classification (germline): Uncertain significance. Review status: criteria provided, multiple submitters, no conflicts (2 of 4 stars). 2 submissions from 2 submitters: Uncertain significance (2). Last evaluated 2024-04-15.

Conditions:
Inborn genetic diseases. Identifiers: MedGen C0950123, MeSH D030342.
Dextro-looped transposition of the great arteries. Also called: Dextrotransposition of the great arteries. Identifiers: Orphanet 860, MedGen C3531771, MONDO:0019443, OMIM 608808, HP:0031348.

Allele frequency attached by ClinVar (database versions not stated): gnomAD 0.00002; TOPMed 0.00002.
gnomAD v4.1: 3 of 1,613,584 alleles (0.00019%); highest among the groups gnomAD compares: African/African-American, 0.004%; no homozygotes.

Submissions (2):

Labcorp Genetics (formerly Invitae), Labcorp
Classification: Uncertain significance for Dextro-looped transposition of the great arteries. Last evaluated: 2024-04-15. Review status: criteria provided, single submitter. Criteria: Invitae Variant Classification Sherloc (09022015). Collection method: clinical testing. Allele origin: germline.
Comment: This sequence change replaces isoleucine, which is neutral and non-polar, with leucine, which is neutral and non-polar, at codon 189 of the MED13L protein (p.Ile189Leu). This variant is not present in population databases (gnomAD no frequency). This variant has not been reported in the literature in individuals affected with MED13L-related conditions. ClinVar contains an entry for this variant (Variation ID: 2307726). Advanced modeling of protein sequence and biophysical properties (such as structural, functional, and spatial information, amino acid conservation, physicochemical variation, residue mobility, and thermodynamic stability) performed at Invitae indicates that this missense variant is not expected to disrupt MED13L protein function with a negative predictive value of 80%. In summary, the available evidence is currently insufficient to determine the role of this variant in disease. Therefore, it has been classified as a Variant of Uncertain Significance.

Ambry Genetics
Classification: Uncertain significance for Inborn genetic diseases. Last evaluated: 2022-08-17. Review status: criteria provided, single submitter. Criteria: Ambry Variant Classification Scheme 2023. Collection method: clinical testing. Allele origin: germline.

NM_015335.5(MED13L):c.565A>C (p.Ile189Leu)

Gene: MED13L (mediator complex subunit 13L; minus strand). Cytogenetic location: 12q24.21.
Variant type: single nucleotide variant.
Coding change: c.565A>C on transcript NM_015335.5 (MANE Select); coding-DNA position 565, A replaced by C.
Protein change: p.Ile189Leu; replaces isoleucine 189 with leucine.
Molecular consequence: missense variant.
Genome position (GRCh38, 1-based): chr12:116,022,516, T>G on the plus strand (A>C on the coding strand, the complement: MED13L is on the minus strand). VCF-style: chr12-116022516-T-G. GRCh37 (hg19) VCF-style: chr12-116460321-T-G.
Other names: short protein forms I189L.
Identifiers: ClinVar variation 2307726 (VCV002307726.4), dbSNP rs1477471791, ClinGen allele CA386872248.